The following is an entry in ClinVar:

NM_003183.6(ADAM17):c.434C>A (p.Ala145Asp)

Gene: ADAM17 (ADAM metallopeptidase domain 17; minus strand). Cytogenetic location: 2p25.1.
Variant type: single nucleotide variant.
Coding change: c.434C>A on transcript NM_003183.6 (MANE Select); coding-DNA position 434, C replaced by A.
Protein change: p.Ala145Asp; replaces alanine 145 with aspartic acid.
Molecular consequence: missense variant.
Genome position (GRCh38, 1-based): chr2:9,535,850, G>T on the plus strand (C>A on the coding strand, the complement: ADAM17 is on the minus strand). VCF-style: chr2-9535850-G-T. GRCh37 (hg19) VCF-style: chr2-9675979-G-T.
Other names: short protein forms A145D.
Identifiers: ClinVar variation 855909 (VCV000855909.7), dbSNP rs1664940070, ClinGen allele CA345785659.

ClinVar aggregate classification (germline): Uncertain significance (1 of 4 stars; one submission).

Conditions:
Inflammatory skin and bowel disease, neonatal, 1. Identifiers: Orphanet 294023, MedGen C3280501, MONDO:0013693, OMIM 614328.

Allele frequency attached by ClinVar (database versions not stated): gnomAD exomes below 0.00001.
gnomAD v4.1: 1 of 1,597,066 alleles (0.000063%); highest among the groups gnomAD compares: Non-Finnish European, 0.000085%; no homozygotes.

Submission:

Labcorp Genetics (formerly Invitae), Labcorp
Classification: Uncertain significance for Inflammatory skin and bowel disease, neonatal, 1. Last evaluated: 2022-02-08. Review status: criteria provided, single submitter. Criteria: Invitae Variant Classification Sherloc (09022015). Collection method: clinical testing. Allele origin: germline.
Comment: This sequence change replaces alanine, which is neutral and non-polar, with aspartic acid, which is acidic and polar, at codon 145 of the ADAM17 protein (p.Ala145Asp). This variant is not present in population databases (gnomAD no frequency). This variant has not been reported in the literature in individuals affected with ADAM17-related conditions. ClinVar contains an entry for this variant (Variation ID: 855909). Algorithms developed to predict the effect of missense changes on protein structure and function are either unavailable or do not agree on the potential impact of this missense change (SIFT: "Not Available"; PolyPhen-2: "Benign"; Align-GVGD: "Not Available"). In summary, the available evidence is currently insufficient to determine the role of this variant in disease. Therefore, it has been classified as a Variant of Uncertain Significance.